The following is an entry in ClinVar:

NM_007294.4(BRCA1):c.4382_4388dup (p.Tyr1463Ter)

Gene: BRCA1 (BRCA1 DNA repair associated; minus strand). Cytogenetic location: 17q21.31.
Variant type: Duplication.
Coding change: c.4382_4388dup on transcript NM_007294.4 (MANE Select); coding-DNA positions 4382 to 4388, 7 bases duplicated (GTGAATA; older notation c.4382_4388dupGTGAATA).
Protein change: p.Tyr1463Ter; replaces tyrosine 1463 with a stop codon.
Molecular consequence: nonsense. On other transcripts: frameshift variant (364), non-coding transcript variant (1).
Genome position (GRCh38, 1-based): chr17:43,076,584-43,076,590, TATTCAC duplicated on the plus strand (GTGAATA on the coding strand, the reverse complement: BRCA1 is on the minus strand); duplicating any 7 consecutive bases within chr17:43,076,584-43,076,592 gives the same sequence; the c. name uses the placement nearest the transcript's 3' end. VCF-style (leftmost placement, unchanged base first): chr17-43076583-G-GTATTCAC. GRCh37 (hg19) VCF-style: chr17-41228600-G-GTATTCAC.
Other names: c.4382_4388dup, p.Tyr1463Ter (NM_007294.3); c.4382_4388dupGTGAATA (NM_007294.3); c.858_864dup, p.Tyr289Terfs (NM_001408491.1, NM_001408481.1, NM_001408482.1 and 5 more transcripts); c.855_861dup, p.Tyr288Terfs (NM_001408492.1, NM_001408493.1); c.831_837dup, p.Tyr280Terfs (NM_001408494.1); c.825_831dup, p.Tyr278Terfs (NM_001408495.1); c.807_813dup, p.Tyr272Terfs (NM_001408496.1, NM_001408497.1, NM_001408498.1 and 3 more transcripts); c.804_810dup, p.Tyr271Terfs (NM_001408502.1, NM_001408503.1, NM_001408504.1); and 73 more; short protein forms Y1484*, Y359*, Y1416*, Y1463*.
Identifiers: ClinVar variation 573344 (VCV000573344.17), dbSNP rs1567779838, ClinGen allele CA891844424.

ClinVar aggregate classification (germline): Pathogenic. Review status: criteria provided, multiple submitters, no conflicts (2 of 4 stars). 4 submissions from 4 submitters: Pathogenic (4). Last evaluated 2025-03-04.

Conditions:
Breast-ovarian cancer, familial, susceptibility to, 1 (BROVCA1). Also called: BRCA1 Hereditary Breast and Ovarian Cancer; OVARIAN CANCER, SUSCEPTIBILITY TO. Identifiers: Orphanet 145, MedGen C2676676, MONDO:0011450, OMIM 604370. Disease mechanism: loss of function.
Hereditary breast ovarian cancer syndrome. Also called: Hereditary breast and ovarian cancer; Hereditary breast and ovarian cancer syndrome; Hereditary breast and ovarian cancer syndrome (HBOC); Breast and ovarian cancer; BRCA1- and BRCA2-Associated Hereditary Breast and Ovarian Cancer; Hereditary breast and/or ovarian cancer syndrome. Identifiers: Orphanet 145, MedGen C0677776, MeSH D061325, MONDO:0003582. Disease mechanism: loss of function.
Hereditary cancer-predisposing syndrome. Also called: Tumor predisposition; Neoplastic Syndromes, Hereditary; Hereditary Cancer Syndrome; Hereditary neoplastic syndrome. Identifiers: Orphanet 140162, MedGen C0027672, MeSH D009386, MONDO:0015356.

Submissions (4):

Labcorp Genetics (formerly Invitae), Labcorp
Classification: Pathogenic for Hereditary breast ovarian cancer syndrome. Last evaluated: 2025-03-04. Review status: criteria provided, single submitter. Criteria: Invitae Variant Classification Sherloc (09022015). Collection method: clinical testing. Allele origin: germline.
Comment: This sequence change creates a premature translational stop signal (p.Tyr1463*) in the BRCA1 gene. It is expected to result in an absent or disrupted protein product. Loss-of-function variants in BRCA1 are known to be pathogenic (PMID: 20104584). This variant is not present in population databases (gnomAD no frequency). A different variant (c.4389C>A) giving rise to the same protein effect has been determined to be pathogenic (PMID: 12491487, 21993507, 23704984). This suggests that this variant is also likely to be causative of disease. ClinVar contains an entry for this variant (Variation ID: 573344). Studies have shown that this premature translational stop signal is associated with inconclusive levels of altered splicing (internal data). For these reasons, this variant has been classified as Pathogenic.

Baylor Genetics
Classification: Pathogenic for Breast-ovarian cancer, familial, susceptibility to, 1. Last evaluated: 2022-09-09. Review status: criteria provided, single submitter. Criteria: ACMG Guidelines, 2015. Collection method: clinical testing. Allele origin: unknown.

Ambry Genetics
Classification: Pathogenic for Hereditary cancer-predisposing syndrome. Last evaluated: 2021-04-15. Review status: criteria provided, single submitter. Criteria: Ambry Variant Classification Scheme 2023. Collection method: clinical testing. Allele origin: germline.
Comment: The c.4382_4388dupGTGAATA pathogenic mutation, located in coding exon 12 of the BRCA1 gene, results from a duplication of GTGAATA at nucleotide position 4382, causing a translational frameshift with a predicted alternate stop codon (p.Y1463*). This alteration has been identified 1/302 individuals with pancreatic cancer (Chaffee KG et al. Genet Med, 2018 01;20:119-127). In addition to the clinical data presented in the literature, this alteration is expected to result in loss of function by premature protein truncation or nonsense-mediated mRNA decay. As such, this alteration is interpreted as a disease-causing mutation.

Women's Health and Genetics/Laboratory Corporation of America, LabCorp
Classification: Pathogenic for Hereditary breast and ovarian cancer syndrome. Last evaluated: 2020-08-31. Review status: criteria provided, single submitter. Criteria: LabCorp Variant Classification Summary - May 2015. Collection method: clinical testing. Allele origin: germline.
Comment: Variant summary: BRCA1 c.4382_4388dupGTGAATA (p.Tyr1463X) results in a premature termination codon, predicted to cause a truncation of the encoded protein or absence of the protein due to nonsense mediated decay, which are commonly known mechanisms for disease. Truncations downstream of this position have been classified as pathogenic by our laboratory. The variant was absent in 251104 control chromosomes. c.4382_4388dupGTGAATA has been reported in the literature in at-least one individual affected with pancreatic ductal adenocarcinoma (PDAC), a personal history of prostate cancer and a family history of Gynecologic cancer (non-ovarian) in first degree relative (example, Chaffee_2018). To our knowledge, no experimental evidence demonstrating an impact on protein function has been reported. One clinical diagnostic laboratory has submitted clinical-significance assessments for this variant to ClinVar after 2014 without evidence for independent evaluation and classified the variant as pathogenic citing a different variant (c.4389C>A) giving rise to the same protein effect observed here (p.Tyr1463*) in several individuals affected with a personal and/or family history of breast cancer. Based on the evidence outlined above, the variant was classified as pathogenic.

Literature cited by the submitters: PubMed 20104584 (cited by Labcorp Genetics (formerly Invitae), Labcorp); PubMed 12491487 (cited by Labcorp Genetics (formerly Invitae), Labcorp); PubMed 21993507 (cited by Labcorp Genetics (formerly Invitae), Labcorp); PubMed 23704984 (cited by Labcorp Genetics (formerly Invitae), Labcorp); PubMed 28726808 (cited by Ambry Genetics and Women's Health and Genetics/Laboratory Corporation of America, LabCorp).